The following is an entry in ClinVar:

ClinVar aggregate classification (germline): Pathogenic (1 of 4 stars; one submission).

Conditions:
Hereditary hemorrhagic telangiectasia (HHT). Also called: ORW DISEASE; Osler Weber Rendu syndrome; OSLER-RENDU-WEBER DISEASE; Osler hemorrhagic telangiectasia syndrome. Identifiers: Orphanet 774, MedGen C0039445, MONDO:0019180. Disease mechanism: loss of function.

Submission:

Labcorp Genetics (formerly Invitae), Labcorp
Classification: Pathogenic for Hereditary hemorrhagic telangiectasia. Last evaluated: 2017-03-14. Review status: criteria provided, single submitter. Criteria: Invitae Variant Classification Sherloc (09022015). Collection method: clinical testing. Allele origin: germline.
Comment: For these reasons, this variant has been classified as Pathogenic. Loss-of-function variants in ENG are known to be pathogenic. This particular variant has been reported in the literature in individuals with hemorrhagic telangiectasia (PMID: 11440987, 21987708, 24196379). This sequence change deletes 13 nucleotides from exon 12 of the ENG mRNA (c.1672_1684delGGGTCTCAAGACC), causing a frameshift at codon 558. This creates a premature translational stop signal (p.Gly558Argfs*11) and is expected to result in an absent or disrupted protein product.

Literature cited by the submitters: PubMed 11440987; PubMed 21987708; PubMed 24196379.

NM_001114753.3(ENG):c.1672_1684del (p.Gly558fs)

Genes: ENG (endoglin; minus strand), LOC102723566 (uncharacterized LOC102723566; plus strand). Cytogenetic location: 9q34.11.
Variant type: Deletion.
Coding change: c.1672_1684del on transcript NM_001114753.3 (MANE Select); coding-DNA positions 1672 to 1684, 13 bases deleted (GGGTCTCAAGACC).
Protein change: p.Gly558fs; shifts the reading frame from glycine 558.
Molecular consequence: frameshift variant.
Genome position (GRCh38, 1-based): chr9:127,818,122-127,818,134, GGTCTTGAGACCC deleted on the plus strand (GGGTCTCAAGACC on the coding strand, the reverse complement: ENG is on the minus strand); deleting any 13 consecutive bases within chr9:127,818,122-127,818,141 gives the same sequence; the c. name uses the placement nearest the transcript's 3' end. VCF-style (leftmost placement, unchanged base first): chr9-127818121-TGGTCTTGAGACCC-T. GRCh37 (hg19) VCF-style: chr9-130580400-TGGTCTTGAGACCC-T.
Other names: c.1665_1677delCAAGACCGGGTCT, p.Gly558Argfs (NM_000118.4); c.1126_1138del, p.Gly376fs (NM_001278138.2); c.1672_1684delGGGTCTCAAGACC (NM_000118.3); short protein forms G376fs, G558fs.
Identifiers: ClinVar variation 458340 (VCV000458340.11), dbSNP rs1554809229, ClinGen allele CA658656039.